The following is an entry in ClinVar:

ClinVar aggregate classification (germline): Uncertain significance (1 of 4 stars; one submission).

Allele frequency attached by ClinVar (database versions not stated): gnomAD 0.00001; gnomAD exomes 0.00001.
gnomAD v4.1: 24 of 1,614,084 alleles (0.0015%); highest among the groups gnomAD compares: East Asian, 0.038%; no homozygotes.

Submission:

CeGaT Center for Human Genetics Tuebingen
Classification: Uncertain significance. Last evaluated: 2024-02-01. Review status: criteria provided, single submitter. Criteria: CeGaT Center For Human Genetics Tuebingen Variant Classification Criteria Version 2. Collection method: clinical testing. Allele origin: germline. Affected: yes. Observed: 1 variant allele.
Comment: UBE3B: PM2

NM_130466.4(UBE3B):c.1409C>T (p.Ser470Leu)

Gene: UBE3B (ubiquitin protein ligase E3B; plus strand). Cytogenetic location: 12q24.11.
Variant type: single nucleotide variant.
Coding change: c.1409C>T on transcript NM_130466.4 (MANE Select); coding-DNA position 1409, C replaced by T.
Protein change: p.Ser470Leu; replaces serine 470 with leucine.
Molecular consequence: missense variant.
Genome position (GRCh38, 1-based): chr12:109,503,149, C>T. VCF-style: chr12-109503149-C-T. GRCh37 (hg19) VCF-style: chr12-109940954-C-T.
Other names: c.1409C>T, p.Ser470Leu (NM_183415.3); short protein forms S470L.
Identifiers: ClinVar variation 3027235 (VCV003027235.22), dbSNP rs1444149259, ClinGen allele CA386636242.
Genomic context (GRCh38, chr12:109,503,149, plus strand): 5'-AACGGGTCGACTCTGCAGAAGTCCAGAAGGTTTGCAACATCTGTGTCCTCTACCAGACCT[C>T]GCTGACAACTCTCACACAGATTCGGCTGCAGATACTCACAGGTTCGCAGTCCCCAGGGCA-3'
Protein context (NP_569733.2, residues 460-480): VCNICVLYQT[Ser470Leu]LTTLTQIRLQ